The following is an entry in ClinVar:

ClinVar aggregate classification (germline): Uncertain significance (1 of 4 stars; one submission).

Conditions:
Congenital myasthenic syndrome 2A. Also called: Myasthenic syndrome, congenital, 2a, slow-channel. Identifiers: Orphanet 590, MedGen C4225374, MONDO:0014581, OMIM 616313.

Submission:

Labcorp Genetics (formerly Invitae), Labcorp
Classification: Uncertain significance for Congenital myasthenic syndrome 2A. Last evaluated: 2023-08-06. Review status: criteria provided, single submitter. Criteria: Invitae Variant Classification Sherloc (09022015). Collection method: clinical testing. Allele origin: germline.
Comment: This sequence change replaces methionine, which is neutral and non-polar, with arginine, which is basic and polar, at codon 8 of the CHRNB1 protein (p.Met8Arg). This variant is not present in population databases (gnomAD no frequency). This variant has not been reported in the literature in individuals affected with CHRNB1-related conditions. Experimental studies and prediction algorithms are not available or were not evaluated, and the functional significance of this variant is currently unknown. In summary, the available evidence is currently insufficient to determine the role of this variant in disease. Therefore, it has been classified as a Variant of Uncertain Significance.

NM_000747.3(CHRNB1):c.23T>G (p.Met8Arg)

Genes: CHRNB1 (cholinergic receptor nicotinic beta 1 subunit; plus strand), LOC130060147 (ATAC-STARR-seq lymphoblastoid silent region 8121; plus strand). Cytogenetic location: 17p13.1.
Variant type: single nucleotide variant.
Coding change: c.23T>G on transcript NM_000747.3 (MANE Select); coding-DNA position 23, T replaced by G.
Protein change: p.Met8Arg; replaces methionine 8 with arginine.
Molecular consequence: missense variant.
Genome position (GRCh38, 1-based): chr17:7,445,150, T>G. VCF-style: chr17-7445150-T-G. GRCh37 (hg19) VCF-style: chr17-7348469-T-G.
Other names: short protein forms M8R.
Identifiers: ClinVar variation 2750683 (VCV002750683.3), dbSNP rs2507844930, ClinGen allele CA397786227.